The following is an entry in ClinVar:

NM_017617.5(NOTCH1):c.5285G>A (p.Arg1762Gln)

Gene: NOTCH1 (notch receptor 1; minus strand). Cytogenetic location: 9q34.3.
Variant type: single nucleotide variant.
Coding change: c.5285G>A on transcript NM_017617.5 (MANE Select); coding-DNA position 5285, G replaced by A.
Protein change: p.Arg1762Gln; replaces arginine 1762 with glutamine.
Molecular consequence: missense variant.
Genome position (GRCh38, 1-based): chr9:136,502,371, C>T on the plus strand (G>A on the coding strand, the complement: NOTCH1 is on the minus strand). VCF-style: chr9-136502371-C-T. GRCh37 (hg19) VCF-style: chr9-139396823-C-T.
Other names: c.5285G>A, p.Arg1762Gln (LRG_1122t1); c.5285G>A (NM_017617.4); short protein forms R1762Q.
Identifiers: ClinVar variation 544168 (VCV000544168.8), dbSNP rs942439472, ClinGen allele CA201641650.
Genomic context (GRCh38, chr9:136,502,371, plus strand): 5'-TTCTTCTTGCTGGCCTCAGACACTTTGAAGCCCTCAGGGAACCAGAGCTGGCCATGCTGC[C>T]GCCGGCGCTTGCGGGACAGCAGCACCCCGCAGCCCACGAAGAACAGAAGCACAAAGGCGG-3'
Protein context (NP_060087.3, residues 1752-1772): CGVLLSRKRR[Arg1762Gln]QHGQLWFPEG

ClinVar aggregate classification (germline): Uncertain significance. Review status: criteria provided, single submitter (1 of 4 stars). 2 submissions from 2 submitters: Uncertain significance (1). 1 of the submissions does not count toward it. Last evaluated 2025-05-30.

Conditions:
NOTCH1-related disorder. Also called: NOTCH1-related disorders; NOTCH1-related condition.
Adams-Oliver syndrome 5 (AOS5). Identifiers: Orphanet 974, MedGen C4014970, MONDO:0014459, OMIM 616028.

Allele frequency attached by ClinVar (database versions not stated): gnomAD exomes 0.00002.
gnomAD v4.1: 29 of 1,612,400 alleles (0.0018%); highest among the groups gnomAD compares: Non-Finnish European, 0.0025%; no homozygotes.

Submissions (2):

Labcorp Genetics (formerly Invitae), Labcorp
Classification: Uncertain significance for Adams-Oliver syndrome 5. Last evaluated: 2025-05-30. Review status: criteria provided, single submitter. Criteria: Invitae Variant Classification Sherloc (09022015). Collection method: clinical testing. Allele origin: germline.
Comment: This sequence change replaces arginine, which is basic and polar, with glutamine, which is neutral and polar, at codon 1762 of the NOTCH1 protein (p.Arg1762Gln). This variant is not present in population databases (gnomAD no frequency). This variant has not been reported in the literature in individuals affected with NOTCH1-related conditions. ClinVar contains an entry for this variant (Variation ID: 544168). Invitae Evidence Modeling of protein sequence and biophysical properties (such as structural, functional, and spatial information, amino acid conservation, physicochemical variation, residue mobility, and thermodynamic stability) has been performed for this missense variant. However, the output from this modeling did not meet the statistical confidence thresholds required to predict the impact of this variant on NOTCH1 protein function. In summary, the available evidence is currently insufficient to determine the role of this variant in disease. Therefore, it has been classified as a Variant of Uncertain Significance.

PreventionGenetics, part of Exact Sciences
Classification: Uncertain significance for NOTCH1-related condition. Last evaluated: 2024-03-06. Review status: no assertion criteria provided. Collection method: clinical testing. Allele origin: germline. Not counted in ClinVar's aggregate classification.
Comment: The NOTCH1 c.5285G>A variant is predicted to result in the amino acid substitution p.Arg1762Gln. To our knowledge, this variant has not been reported in the literature or in a large population database, indicating this variant is rare. At this time, the clinical significance of this variant is uncertain due to the absence of conclusive functional and genetic evidence.